The following is an entry in ClinVar:

ClinVar aggregate classification (germline): Likely pathogenic (1 of 4 stars; one submission).

Conditions:
Hereditary spastic paraplegia 15 (SPG15). Also called: SPASTIC PARAPLEGIA 15, AUTOSOMAL RECESSIVE; KJELLIN SYNDROME; SPASTIC PARAPLEGIA AND RETINAL DEGENERATION. Identifiers: Orphanet 100996, MedGen C1849128, MONDO:0010044, OMIM 270700.

Submission:

Myriad Genetics, Inc.
Classification: Likely pathogenic for Hereditary spastic paraplegia 15. Last evaluated: 2021-12-07. Review status: criteria provided, single submitter. Criteria: Myriad Women's Health Autosomal Recessive and X-Linked Classification Criteria (2021). Collection method: clinical testing. Allele origin: unknown.
Comment: NM_015346.3(ZFYVE26):c.5350delA(R1784Gfs*58) is expected to be pathogenic in the context of spastic paraplegia type 15. This variant is predicted to lead to an abnormal or absent protein product due to the creation of a premature termination codon in ZFYVE26, a gene where loss-of-function variants are known to be pathogenic. Please note: this variant was assessed in the context of healthy population screening.

NM_015346.4(ZFYVE26):c.5350del (p.Arg1784fs)

Gene: ZFYVE26 (zinc finger FYVE-type containing 26; minus strand). Cytogenetic location: 14q24.1.
Variant type: Deletion.
Coding change: c.5350del on transcript NM_015346.4 (MANE Select); coding-DNA position 5350, one base deleted (A; older notation c.5350delA).
Protein change: p.Arg1784fs; shifts the reading frame from arginine 1784.
Molecular consequence: frameshift variant.
Genome position (GRCh38, 1-based): chr14:67,772,181, T deleted on the plus strand (A on the coding strand, the reverse complement: ZFYVE26 is on the minus strand); the first of 2 consecutive T bases (chr14:67,772,181-67,772,182); deleting either gives the same sequence. VCF-style (leftmost placement, unchanged base first): chr14-67772180-CT-C. GRCh37 (hg19) VCF-style: chr14-68238897-CT-C.
Other names: short protein forms R1784fs.
Identifiers: ClinVar variation 1725766 (VCV001725766.2), dbSNP rs2502772959, ClinGen allele CA2580088574.